The following is an entry in ClinVar:

ClinVar aggregate classification (germline): Conflicting classifications of pathogenicity. Review status: criteria provided, conflicting classifications (1 of 4 stars). 2 submissions from 2 submitters: Uncertain significance (1); Likely benign (1). Last evaluated 2025-06-29.

Allele frequency attached by ClinVar (database versions not stated): gnomAD 0.00001; gnomAD exomes 0.00001; TOPMed 0.00002.
gnomAD v4.1: 14 of 1,613,976 alleles (0.00087%); highest among the groups gnomAD compares: African/African-American, 0.0067%; no homozygotes.

Submissions (2):

Labcorp Genetics (formerly Invitae), Labcorp
Classification: Uncertain significance. Last evaluated: 2025-06-29. Review status: criteria provided, single submitter. Criteria: Invitae Variant Classification Sherloc (09022015). Collection method: clinical testing. Allele origin: germline.
Comment: This sequence change falls in intron 10 of the HYOU1 gene. It does not directly change the encoded amino acid sequence of the HYOU1 protein. It affects a nucleotide within the consensus splice site. This variant is present in population databases (rs782205129, gnomAD 0.007%). This variant has not been reported in the literature in individuals affected with HYOU1-related conditions. ClinVar contains an entry for this variant (Variation ID: 1522740). Variants that disrupt the consensus splice site are a relatively common cause of aberrant splicing (PMID: 17576681, 9536098). Algorithms developed to predict the effect of sequence changes on RNA splicing suggest that this variant is not likely to affect RNA splicing. In summary, the available evidence is currently insufficient to determine the role of this variant in disease. Therefore, it has been classified as a Variant of Uncertain Significance.

Blueprint Genetics
Classification: Likely benign. Last evaluated: 2024-10-08. Review status: criteria provided, single submitter. Criteria: ACMG Guidelines, 2015. Collection method: clinical testing. Allele origin: germline.

Literature cited by the submitters: PubMed 17576681 (cited by Labcorp Genetics (formerly Invitae), Labcorp); PubMed 9536098 (cited by Labcorp Genetics (formerly Invitae), Labcorp).

NM_006389.5(HYOU1):c.1122+6C>T

Gene: HYOU1 (hypoxia up-regulated 1; minus strand). Cytogenetic location: 11q23.3.
Variant type: single nucleotide variant.
Coding change: c.1122+6C>T on transcript NM_006389.5 (MANE Select); 6 bases into the intron after coding-DNA position 1122, C replaced by T.
Molecular consequence: intron variant.
Genome position (GRCh38, 1-based): chr11:119,052,289, G>A on the plus strand (C>T on the coding strand, the complement: HYOU1 is on the minus strand). VCF-style: chr11-119052289-G-A. GRCh37 (hg19) VCF-style: chr11-118923001-G-A.
Other names: c.1122+6C>T (NM_001130991.3).
Identifiers: ClinVar variation 1522740 (VCV001522740.7), dbSNP rs782205129, ClinGen allele CA229623060.